The following is an entry in ClinVar:

ClinVar aggregate classification (germline): Conflicting classifications of pathogenicity. Review status: criteria provided, conflicting classifications (1 of 4 stars). 4 submissions from 4 submitters: Uncertain significance (3); Likely benign (1). Last evaluated 2026-03-01.

Conditions:
Fanconi anemia (FA). Also called: Fanconi's anemia. Identifiers: Orphanet 84, MedGen C0015625, MeSH D005199, MONDO:0019391.
Fanconi anemia complementation group G. Also called: FANCG-Related Fanconi Anemia; Fanconi anemia group G. Identifiers: Orphanet 84, MedGen C3469527, MONDO:0013565, OMIM 614082.

Allele frequency attached by ClinVar (database versions not stated): 1000 Genomes Project 30x 0.00016; ExAC 0.00016; gnomAD exomes 0.00008 and 0.00015; TOPMed 0.00013; gnomAD 0.00009.

Submissions (4):

GeneDx
Classification: Uncertain significance. Last evaluated: 2026-03-01. Review status: criteria provided, single submitter. Criteria: GeneDx Variant Classification Process June 2021. Collection method: clinical testing. Allele origin: germline.
Comment: In-frame duplication of 1 amino acid in a non-repeat region; This variant is associated with the following publications: (PMID: 36386804, 33563768)

Labcorp Genetics (formerly Invitae), Labcorp
Classification: Likely benign for Fanconi anemia. Last evaluated: 2026-01-28. Review status: criteria provided, single submitter. Criteria: Invitae Variant Classification Sherloc (09022015). Collection method: clinical testing. Allele origin: germline.

St. Jude Molecular Pathology, St. Jude Children's Research Hospital
Classification: Uncertain significance for Fanconi anemia complementation group G. Last evaluated: 2023-12-15. Review status: criteria provided, single submitter. Criteria: St. Jude Assertion Criteria 2020. Collection method: clinical testing. Allele origin: germline.
Comment: The FANCG c.373_375dup (p.Val125dup) change duplicates three nucleotides at position 373-375, resulting in an in-frame duplication of one amino acid at codon 125. This variant has a maximum subpopulation frequency of 0.23% in gnomAD v2.1.1. To our knowledge, this variant has not been reported in individuals with Fanconi anemia. In summary, the evidence currently available is insufficient to determine the clinical significance of this variant. It has therefore been classified as of uncertain significance.

Sema4
Classification: Uncertain significance for Fanconi anemia. Last evaluated: 2022-02-03. Review status: criteria provided, single submitter. Criteria: Sema4 Curation Guidelines. Collection method: curation. Allele origin: germline.
Comment: The FANCG c.373_375dupGTC (p.V125dup) variant has been reported in individuals with colorectal cancer (PMID: 33563768). This variant results in the duplication of moderately conserved amino acid residue without altering the integrity of reading frame. It was observed in 45/19938 chromosomes of the East Asian subpopulation, with no homozygotes, in the large and broad cohorts of the Genome Aggregation Database (PMID: 32461654). The variant has been reported in ClinVar (Variation ID 408141). There is no indication that this variant causes disease, but the evidence is insufficient currently to prove that conclusively. Thus, the clinical significance of this variant is currently uncertain.

Literature cited by the submitters: PubMed 33563768 (cited by Sema4).

NM_004629.2(FANCG):c.373_375dup (p.Val125dup)

Gene: FANCG (FA complementation group G; minus strand). Cytogenetic location: 9p13.3.
Variant type: Duplication.
Coding change: c.373_375dup on transcript NM_004629.2 (MANE Select); coding-DNA positions 373 to 375, 3 bases duplicated (GTC; older notation c.373_375dupGTC).
Protein change: p.Val125dup; duplicates valine 125.
Molecular consequence: inframe insertion.
Genome position (GRCh38, 1-based): chr9:35,078,276-35,078,278, GAC duplicated on the plus strand (GTC on the coding strand, the reverse complement: FANCG is on the minus strand). VCF-style (leftmost placement, unchanged base first): chr9-35078275-G-GGAC. GRCh37 (hg19) VCF-style: chr9-35078272-G-GGAC.
Other names: c.373_375dupGTC (NM_004629.1).
Identifiers: ClinVar variation 408141 (VCV000408141.16), dbSNP rs750843326, ClinGen allele CA5040058.